The following is an entry in ClinVar:

NM_153252.5(BRWD3):c.120+6G>T

Gene: BRWD3 (bromodomain and WD repeat domain containing 3; minus strand). Cytogenetic location: Xq21.1.
Variant type: single nucleotide variant.
Coding change: c.120+6G>T on transcript NM_153252.5 (MANE Select); 6 bases into the intron after coding-DNA position 120, G replaced by T.
Molecular consequence: intron variant.
Genome position (GRCh38, 1-based): chrX:80,809,007, C>A on the plus strand (G>T on the coding strand, the complement: BRWD3 is on the minus strand). VCF-style: chrX-80809007-C-A. GRCh37 (hg19) VCF-style: chrX-80064506-C-A.
Identifiers: ClinVar variation 2064893 (VCV002064893.4), dbSNP rs1401708063, ClinGen allele CA878705996.

ClinVar aggregate classification (germline): Uncertain significance (1 of 4 stars; one submission).

Allele frequency attached by ClinVar (database versions not stated): TOPMed below 0.00001; gnomAD 0.00001.
gnomAD v4.1: 2 of 1,195,922 alleles (0.00017%); highest among the groups gnomAD compares: African/African-American, 0.0018%; no homozygotes.

Submission:

Labcorp Genetics (formerly Invitae), Labcorp
Classification: Uncertain significance. Last evaluated: 2025-12-21. Review status: criteria provided, single submitter. Criteria: Invitae Variant Classification Sherloc (09022015). Collection method: clinical testing. Allele origin: germline.
Comment: This sequence change falls in intron 3 of the BRWD3 gene. It does not directly change the encoded amino acid sequence of the BRWD3 protein. It affects a nucleotide within the consensus splice site. This variant is not present in population databases (gnomAD no frequency). This variant has not been reported in the literature in individuals affected with BRWD3-related conditions. ClinVar contains an entry for this variant (Variation ID: 2064893). Variants that disrupt the consensus splice site are a relatively common cause of aberrant splicing (PMID: 17576681, 9536098). Algorithms developed to predict the effect of sequence changes on RNA splicing suggest that this variant is not likely to affect RNA splicing. In summary, the available evidence is currently insufficient to determine the role of this variant in disease. Therefore, it has been classified as a Variant of Uncertain Significance.

Literature cited by the submitters: PubMed 17576681; PubMed 9536098.